The following is an entry in ClinVar:

NM_015154.3(MESD):c.613C>G (p.Gln205Glu)

Gene: MESD (mesoderm development LRP chaperone; minus strand). Cytogenetic location: 15q25.1.
Variant type: single nucleotide variant.
Coding change: c.613C>G on transcript NM_015154.3 (MANE Select); coding-DNA position 613, C replaced by G.
Protein change: p.Gln205Glu; replaces glutamine 205 with glutamic acid.
Molecular consequence: missense variant. On other transcripts: non-coding transcript variant (1).
Genome position (GRCh38, 1-based): chr15:80,979,311, G>C on the plus strand (C>G on the coding strand, the complement: MESD is on the minus strand). VCF-style: chr15-80979311-G-C. GRCh37 (hg19) VCF-style: chr15-81271652-G-C.
Other names: short protein forms Q205E.
Identifiers: ClinVar variation 2023793 (VCV002023793.4), dbSNP rs2542673926, ClinGen allele CA393251714.

ClinVar aggregate classification (germline): Uncertain significance (1 of 4 stars; one submission).

Submission:

Labcorp Genetics (formerly Invitae), Labcorp
Classification: Uncertain significance. Last evaluated: 2022-08-12. Review status: criteria provided, single submitter. Criteria: Invitae Variant Classification Sherloc (09022015). Collection method: clinical testing. Allele origin: germline.
Comment: In summary, the available evidence is currently insufficient to determine the role of this variant in disease. Therefore, it has been classified as a Variant of Uncertain Significance. Algorithms developed to predict the effect of missense changes on protein structure and function (SIFT, PolyPhen-2, Align-GVGD) all suggest that this variant is likely to be tolerated. This variant has not been reported in the literature in individuals affected with MESDC2-related conditions. This variant is not present in population databases (gnomAD no frequency). This sequence change replaces glutamine, which is neutral and polar, with glutamic acid, which is acidic and polar, at codon 205 of the MESDC2 protein (p.Gln205Glu).